The following is an entry in ClinVar:

ClinVar aggregate classification (germline): Uncertain significance. Review status: criteria provided, multiple submitters, no conflicts (2 of 4 stars). 2 submissions from 2 submitters: Uncertain significance (2). Last evaluated 2026-03-06.

Conditions:
Cystic fibrosis (CF). Also called: MUCOVISCIDOSIS. Identifiers: Orphanet 586, MedGen C0010674, MONDO:0009061, OMIM 219700. Disease mechanism: loss of function.

Allele frequency attached by ClinVar (database versions not stated): TOPMed 0.00001; ExAC 0.00002.
gnomAD v4.1: 1 of 1,613,226 alleles (0.000062%); highest among the groups gnomAD compares: East Asian, 0.0022%; no homozygotes.

Submissions (2):

Ambry Genetics
Classification: Uncertain significance for Cystic fibrosis. Last evaluated: 2026-03-06. Review status: criteria provided, single submitter. Criteria: Ambry Variant Classification Scheme 2023. Collection method: clinical testing. Allele origin: germline.
Comment: The p.L435P variant (also known as c.1304T>C), located in coding exon 10 of the CFTR gene, results from a T to C substitution at nucleotide position 1304. The leucine at codon 435 is replaced by proline, an amino acid with similar properties. This amino acid position is highly conserved in available vertebrate species. In addition, the in silico prediction for this alteration is inconclusive. Based on the available evidence, the clinical significance of this variant remains unclear.

Labcorp Genetics (formerly Invitae), Labcorp
Classification: Uncertain significance for Cystic fibrosis. Last evaluated: 2024-04-15. Review status: criteria provided, single submitter. Criteria: Invitae Variant Classification Sherloc (09022015). Collection method: clinical testing. Allele origin: germline.
Comment: This sequence change replaces leucine, which is neutral and non-polar, with proline, which is neutral and non-polar, at codon 435 of the CFTR protein (p.Leu435Pro). The frequency data for this variant in the population databases is considered unreliable, as metrics indicate poor data quality at this position in the gnomAD database. This variant has not been reported in the literature in individuals affected with CFTR-related conditions. Advanced modeling of protein sequence and biophysical properties (such as structural, functional, and spatial information, amino acid conservation, physicochemical variation, residue mobility, and thermodynamic stability) performed at Invitae indicates that this missense variant is expected to disrupt CFTR protein function with a positive predictive value of 95%. In summary, the available evidence is currently insufficient to determine the role of this variant in disease. Therefore, it has been classified as a Variant of Uncertain Significance.

NM_000492.4(CFTR):c.1304T>C (p.Leu435Pro)

Genes: CFTR-AS1 (CFTR antisense RNA 1; minus strand), CFTR (CF transmembrane conductance regulator; plus strand). Cytogenetic location: 7q31.2.
Variant type: single nucleotide variant.
Coding change: c.1304T>C on transcript NM_000492.4 (MANE Select); coding-DNA position 1304, T replaced by C.
Protein change: p.Leu435Pro; replaces leucine 435 with proline.
Molecular consequence: missense variant.
Genome position (GRCh38, 1-based): chr7:117,548,735, T>C. VCF-style: chr7-117548735-T-C. GRCh37 (hg19) VCF-style: chr7-117188789-T-C.
Other names: short protein forms L435P.
Identifiers: ClinVar variation 2721337 (VCV002721337.4), dbSNP rs760329565, ClinGen allele CA4450970.
Genomic context (GRCh38, chr7:117,548,735, plus strand): 5'-ACAATAACAATAGAAAAACTTCTAATGGTGATGACAGCCTCTTCTTCAGTAATTTCTCAC[T>C]TCTTGGTACTCCTGTCCTGAAAGATATTAATTTCAAGATAGAAAGAGGACAGTTGTTGGC-3'
Protein context (NP_000483.3, residues 425-445): DDSLFFSNFS[Leu435Pro]LGTPVLKDIN